The following is an entry in ClinVar:

NM_006662.3(SRCAP):c.8783A>G (p.Asn2928Ser)

Gene: SRCAP (Snf2 related CREBBP activator protein; plus strand). Cytogenetic location: 16p11.2.
Variant type: single nucleotide variant.
Coding change: c.8783A>G on transcript NM_006662.3 (MANE Select); coding-DNA position 8783, A replaced by G.
Protein change: p.Asn2928Ser; replaces asparagine 2928 with serine.
Molecular consequence: missense variant.
Genome position (GRCh38, 1-based): chr16:30,738,823, A>G. VCF-style: chr16-30738823-A-G. GRCh37 (hg19) VCF-style: chr16-30750144-A-G.
Other names: short protein forms N2928S.
Identifiers: ClinVar variation 2795221 (VCV002795221.3), dbSNP rs376066291, ClinGen allele CA8012758.

ClinVar aggregate classification (germline): Uncertain significance (1 of 4 stars; one submission).

Allele frequency attached by ClinVar (database versions not stated): gnomAD exomes below 0.00001; ExAC 0.00001; gnomAD 0.00001; TOPMed 0.00001; ESP Exome Variant Server 0.00008.
gnomAD v4.1: 3 of 1,613,740 alleles (0.00019%); highest among the groups gnomAD compares: African/African-American, 0.0013%; no homozygotes.

Submission:

Labcorp Genetics (formerly Invitae), Labcorp
Classification: Uncertain significance. Last evaluated: 2023-06-25. Review status: criteria provided, single submitter. Criteria: Invitae Variant Classification Sherloc (09022015). Collection method: clinical testing. Allele origin: germline.
Comment: In summary, the available evidence is currently insufficient to determine the role of this variant in disease. Therefore, it has been classified as a Variant of Uncertain Significance. Advanced modeling of protein sequence and biophysical properties (such as structural, functional, and spatial information, amino acid conservation, physicochemical variation, residue mobility, and thermodynamic stability) performed at Invitae indicates that this missense variant is not expected to disrupt SRCAP protein function. This variant has not been reported in the literature in individuals affected with SRCAP-related conditions. This variant is present in population databases (rs376066291, gnomAD 0.0009%). This sequence change replaces asparagine, which is neutral and polar, with serine, which is neutral and polar, at codon 2928 of the SRCAP protein (p.Asn2928Ser).